The following is an entry in ClinVar:

ClinVar aggregate classification (germline): Pathogenic (1 of 4 stars; one submission).

Conditions:
Developmental and epileptic encephalopathy. Identifiers: MedGen C5779964, MONDO:0100620.

Submission:

Labcorp Genetics (formerly Invitae), Labcorp
Classification: Pathogenic for Early infantile epileptic encephalopathy with suppression bursts. Last evaluated: 2018-12-07. Review status: criteria provided, single submitter. Criteria: Invitae Variant Classification Sherloc (09022015). Collection method: clinical testing. Allele origin: germline.
Comment: This sequence change creates a premature translational stop signal (p.His1393Cysfs*2) in the SCN1A gene. It is expected to result in an absent or disrupted protein product. This variant is not present in population databases (ExAC no frequency). Loss-of-function variants in SCN1A are known to be pathogenic (PMID: 17347258, 18930999). For these reasons, this variant has been classified as Pathogenic.

NM_001165963.4(SCN1A):c.4177_4180delinsTG (p.His1393fs)

Genes: SCN1A (sodium voltage-gated channel alpha subunit 1; minus strand), LOC102724058 (uncharacterized LOC102724058; plus strand). Cytogenetic location: 2q24.3.
Variant type: Indel.
Coding change: c.4177_4180delinsTG on transcript NM_001165963.4 (MANE Select); coding-DNA positions 4177 to 4180, CATA replaced by TG.
Protein change: p.His1393fs; shifts the reading frame from histidine 1393.
Molecular consequence: frameshift variant. On other transcripts: non-coding transcript variant (1).
Genome position (GRCh38, 1-based): chr2:166,002,576-166,002,579, TATG replaced by CA on the plus strand (CATA replaced by TG on the coding strand, the reverse complement: SCN1A is on the minus strand). VCF-style: chr2-166002576-TATG-CA. GRCh37 (hg19) VCF-style: chr2-166859086-TATG-CA.
Other names: c.4093_4096delinsTG, p.His1365fs (NM_001165964.3, NM_001353957.2, NM_001353958.2); c.4177_4180delinsTG, p.His1393fs (NM_001202435.3, NM_001353948.2); c.4144_4147delinsTG, p.His1382fs (NM_001353949.2, NM_001353950.2, NM_001353951.2 and 2 more transcripts); c.4141_4144delinsTG, p.His1381fs (NM_001353954.2, NM_001353955.2); c.4090_4093delinsTG, p.His1364fs (NM_001353960.2); c.1735_1738delinsTG, p.His579fs (NM_001353961.2); short protein forms H1364fs, H1393fs, H1381fs, H1382fs, H579fs, H1365fs.
Identifiers: ClinVar variation 643756 (VCV000643756.2), dbSNP rs1574005235, ClinGen allele CA915942876.